The following is an entry in ClinVar:

ClinVar aggregate classification (germline): Uncertain significance (1 of 4 stars; one submission).

Allele frequency attached by ClinVar (database versions not stated): gnomAD exomes below 0.00001.
gnomAD v4.1: 1 of 1,494,806 alleles (0.000067%); highest among the groups gnomAD compares: Non-Finnish European, 0.000089%; no homozygotes.

Submission:

Labcorp Genetics (formerly Invitae), Labcorp
Classification: Uncertain significance. Last evaluated: 2022-10-13. Review status: criteria provided, single submitter. Criteria: Invitae Variant Classification Sherloc (09022015). Collection method: clinical testing. Allele origin: germline.
Comment: In summary, the available evidence is currently insufficient to determine the role of this variant in disease. Therefore, it has been classified as a Variant of Uncertain Significance. Algorithms developed to predict the effect of missense changes on protein structure and function are either unavailable or do not agree on the potential impact of this missense change (SIFT: "Deleterious"; PolyPhen-2: "Probably Damaging"; Align-GVGD: "Class C0"). This variant has not been reported in the literature in individuals affected with PRDM13-related conditions. This variant is not present in population databases (gnomAD no frequency). This sequence change replaces proline, which is neutral and non-polar, with leucine, which is neutral and non-polar, at codon 375 of the PRDM13 protein (p.Pro375Leu).

NM_021620.4(PRDM13):c.1124C>T (p.Pro375Leu)

Genes: PRDM13 (PR/SET domain 13; plus strand), LOC129996881 (ATAC-STARR-seq lymphoblastoid silent region 17422; plus strand). Cytogenetic location: 6q16.2.
Variant type: single nucleotide variant.
Coding change: c.1124C>T on transcript NM_021620.4 (MANE Select); coding-DNA position 1124, C replaced by T.
Protein change: p.Pro375Leu; replaces proline 375 with leucine.
Molecular consequence: missense variant.
Genome position (GRCh38, 1-based): chr6:99,613,759, C>T. VCF-style: chr6-99613759-C-T. GRCh37 (hg19) VCF-style: chr6-100061635-C-T.
Other names: short protein forms P375L.
Identifiers: ClinVar variation 2078019 (VCV002078019.4), dbSNP rs1770077211, ClinGen allele CA365117765.
Genomic context (GRCh38, chr6:99,613,759, plus strand): 5'-ACCACCACGCGCACCACCACCACCATCCCAAGTGCCTGCTCGCTGGGGACCCGCCGCCGC[C>T]GCCGCCGCCTGGCCTGCCCTGCTCTGGGGCCCTGCGCGGCTTCCCTCTGCTCTCCGTCCC-3'
Protein context (NP_067633.2, residues 365-385): KCLLAGDPPP[Pro375Leu]PPPGLPCSGA